The following is an entry in ClinVar:

NM_002691.4(POLD1):c.749T>C (p.Phe250Ser)

Gene: POLD1 (DNA polymerase delta 1, catalytic subunit; plus strand). Cytogenetic location: 19q13.33.
Variant type: single nucleotide variant.
Coding change: c.749T>C on transcript NM_002691.4 (MANE Select); coding-DNA position 749, T replaced by C.
Protein change: p.Phe250Ser; replaces phenylalanine 250 with serine.
Molecular consequence: missense variant. On other transcripts: non-coding transcript variant (1).
Genome position (GRCh38, 1-based): chr19:50,402,364, T>C. VCF-style: chr19-50402364-T-C. GRCh37 (hg19) VCF-style: chr19-50905621-T-C.
Other names: c.749T>C, p.Phe250Ser (NM_001256849.1, NM_001308632.1); short protein forms F250S.
Identifiers: ClinVar variation 3222748 (VCV003222748.1), dbSNP rs2513964733, ClinGen allele CA406974645.

ClinVar aggregate classification (germline): Uncertain significance (1 of 4 stars; one submission).

Conditions:
Hereditary cancer-predisposing syndrome. Also called: Tumor predisposition; Hereditary neoplastic syndrome; Hereditary Cancer Syndrome; Neoplastic Syndromes, Hereditary. Identifiers: Orphanet 140162, MedGen C0027672, MeSH D009386, MONDO:0015356.

gnomAD v4.1: 1 of 1,611,354 alleles (0.000062%); no homozygotes.

Submission:

Ambry Genetics
Classification: Uncertain significance for Hereditary cancer-predisposing syndrome. Last evaluated: 2023-11-22. Review status: criteria provided, single submitter. Criteria: Ambry Variant Classification Scheme 2023. Collection method: clinical testing. Allele origin: germline.
Comment: The p.F250S variant (also known as c.749T>C), located in coding exon 5 of the POLD1 gene, results from a T to C substitution at nucleotide position 749. The phenylalanine at codon 250 is replaced by serine, an amino acid with highly dissimilar properties. This amino acid position is conserved. In addition, the in silico prediction for this alteration is inconclusive. Since supporting evidence is limited at this time, the clinical significance of this alteration remains unclear.